The following is an entry in ClinVar:

ClinVar aggregate classification (germline): Likely benign (1 of 4 stars; one submission).

Submission:

CeGaT Center for Human Genetics Tuebingen
Classification: Likely benign. Last evaluated: 2026-05-01. Review status: criteria provided, single submitter. Criteria: CeGaT Center For Human Genetics Tuebingen Variant Classification Criteria Version 2. Collection method: clinical testing. Allele origin: germline. Affected: yes. Observed: 1 variant allele.
Comment: DLAT: BP4, BP7

NM_001931.5(DLAT):c.1386A>G (p.Lys462=)

Gene: DLAT (dihydrolipoamide S-acetyltransferase; plus strand). Cytogenetic location: 11q23.1.
Variant type: single nucleotide variant.
Coding change: c.1386A>G on transcript NM_001931.5 (MANE Select); coding-DNA position 1386, A replaced by G.
Protein change: p.Lys462=; no amino-acid change (lysine 462 retained).
Molecular consequence: synonymous variant. On other transcripts: non-coding transcript variant (1), intron variant (2).
Genome position (GRCh38, 1-based): chr11:112,045,958, A>G. VCF-style: chr11-112045958-A-G. GRCh37 (hg19) VCF-style: chr11-111916682-A-G.
Other names: c.1386A>G, p.Lys462= (NM_001372031.1, NM_001372033.1); c.1380A>G, p.Lys460= (NM_001372032.1); c.1353A>G, p.Lys451= (NM_001372034.1); c.1260A>G, p.Lys420= (NM_001372036.1); c.1218A>G, p.Lys406= (NM_001372037.1); c.1107A>G, p.Lys369= (NM_001372038.1); c.1071A>G, p.Lys357= (NM_001372039.1); c.1005A>G, p.Lys335= (NM_001372040.1); and 3 more.
Identifiers: ClinVar variation 4874800 (VCV004874800.2).